The following is an entry in ClinVar:

NM_001276270.2(MBD4):c.436C>T (p.Leu146Phe)

Gene: MBD4 (methyl-CpG binding domain 4, DNA glycosylase; minus strand). Cytogenetic location: 3q21.3.
Variant type: single nucleotide variant.
Coding change: c.436C>T on transcript NM_001276270.2 (MANE Select); coding-DNA position 436, C replaced by T.
Protein change: p.Leu146Phe; replaces leucine 146 with phenylalanine.
Molecular consequence: missense variant. On other transcripts: intron variant (1).
Genome position (GRCh38, 1-based): chr3:129,437,208, G>A on the plus strand (C>T on the coding strand, the complement: MBD4 is on the minus strand). VCF-style: chr3-129437208-G-A. GRCh37 (hg19) VCF-style: chr3-129156051-G-A.
Other names: c.436C>T, p.Leu146Phe (NM_001276271.2, NM_001276272.2, NM_003925.3); c.247+600C>T (NM_001276273.2); short protein forms L146F.
Identifiers: ClinVar variation 4736584 (VCV004736584.1).

ClinVar aggregate classification (germline): Uncertain significance (1 of 4 stars; one submission).

gnomAD v4.1: 1 of 1,613,518 alleles (0.000062%); highest among the groups gnomAD compares: Non-Finnish European, 0.000085%; no homozygotes.

Submission:

Labcorp Genetics (formerly Invitae), Labcorp
Classification: Uncertain significance. Last evaluated: 2026-02-03. Review status: criteria provided, single submitter. Criteria: Invitae Variant Classification Sherloc (09022015). Collection method: clinical testing. Allele origin: germline.
Comment: This sequence change replaces leucine, which is neutral and non-polar, with phenylalanine, which is neutral and non-polar, at codon 146 of the MBD4 protein (p.Leu146Phe). This variant is not present in population databases (gnomAD no frequency). This variant has not been reported in the literature in individuals affected with MBD4-related conditions. An algorithm developed to predict the effect of missense changes on protein structure and function (PolyPhen-2) suggests that this variant is likely to be disruptive. In summary, the available evidence is currently insufficient to determine the role of this variant in disease. Therefore, it has been classified as a Variant of Uncertain Significance.